The following is an entry in ClinVar:

ClinVar aggregate classification (germline): Uncertain significance (1 of 4 stars; one submission).

Submission:

Labcorp Genetics (formerly Invitae), Labcorp
Classification: Uncertain significance. Last evaluated: 2024-10-08. Review status: criteria provided, single submitter. Criteria: Invitae Variant Classification Sherloc (09022015). Collection method: clinical testing. Allele origin: germline.
Comment: This variant, c.554_559del, results in the deletion of 2 amino acid(s) of the MESP1 protein (p.Gln185_Gly186del), but otherwise preserves the integrity of the reading frame. This variant is present in population databases (rs755963854, gnomAD 0.04%). This variant has not been reported in the literature in individuals affected with MESP1-related conditions. Experimental studies and prediction algorithms are not available or were not evaluated, and the functional significance of this variant is currently unknown. In summary, the available evidence is currently insufficient to determine the role of this variant in disease. Therefore, it has been classified as a Variant of Uncertain Significance.

NM_018670.4(MESP1):c.542AGGGGC[2] (p.183QG[1])

Genes: MESP1 (mesoderm posterior bHLH transcription factor 1; minus strand), LOC130057888 (ATAC-STARR-seq lymphoblastoid silent region 6803; plus strand). Cytogenetic location: 15q26.1.
Variant type: Microsatellite.
Coding change: c.542AGGGGC[2] on transcript NM_018670.4 (MANE Select); two copies in a row of the 6-base unit AGGGGC starting at c.542; the reference has three copies in a row; one copy, 6 bases deleted.
Protein change: p.183QG[1].
Molecular consequence: inframe deletion.
Genome position (GRCh38, 1-based): chr15:89,750,673-89,750,678, GCCCCT deleted on the plus strand (AGGGGC on the coding strand, the reverse complement: MESP1 is on the minus strand); deleting any 6 consecutive bases within chr15:89,750,673-89,750,690 gives the same sequence; the position shown is the placement nearest the transcript's 3' end. VCF-style (leftmost placement, unchanged base first): chr15-89750672-CGCCCCT-C. GRCh37 (hg19) VCF-style: chr15-90293903-CGCCCCT-C.
Identifiers: ClinVar variation 2698155 (VCV002698155.3), dbSNP rs755963854, ClinGen allele CA7730175.
Genomic context (GRCh38, chr15:89,750,672, plus strand): 5'-CAGGCAGGCGGGGATCCCCAGGACGCCCCGGCGCGGACGGCGGATACCAGGCCCAGCCCG[CGCCCCT>C]GCCCCTGCCCCTCAGCCTGCGTCCGTGTCTGCATCTGCGCGGGGCAGTCGTCGGGGCACA-3'